The following is an entry in ClinVar:

NM_001458.5(FLNC):c.1953C>T (p.Asp651=)

Gene: FLNC (filamin C; plus strand). Cytogenetic location: 7q32.1.
Variant type: single nucleotide variant.
Coding change: c.1953C>T on transcript NM_001458.5 (MANE Select); coding-DNA position 1953, C replaced by T.
Protein change: p.Asp651=; no amino-acid change (aspartic acid 651 retained).
Molecular consequence: synonymous variant.
Genome position (GRCh38, 1-based): chr7:128,841,309, C>T. VCF-style: chr7-128841309-C-T. GRCh37 (hg19) VCF-style: chr7-128481363-C-T.
Other names: c.1953C>T, p.Asp651= (NM_001127487.2).
Identifiers: ClinVar variation 1167114 (VCV001167114.37), dbSNP rs554570268, ClinGen allele CA4474540.

ClinVar aggregate classification (germline): Benign/Likely benign. Review status: criteria provided, multiple submitters, no conflicts (2 of 4 stars). 5 submissions from 5 submitters: Benign (1); Likely benign (3). 1 of the submissions does not count toward it. Last evaluated 2025-11-27.

Conditions:
FLNC-related disorder. Also called: FLNC-related condition; FLNC-related disorders.
Distal myopathy with posterior leg and anterior hand involvement. Also called: WILLIAMS DISTAL MYOPATHY. Identifiers: Orphanet 63273, MedGen C3279722, MONDO:0013550, OMIM 614065.
Hypertrophic cardiomyopathy 26. Also called: Cardiomyopathy, familial hypertrophic, 26. Identifiers: Orphanet 75249, MedGen C4310749, MONDO:0014883, OMIM 617047.
Myofibrillar myopathy 5. Also called: Filaminopathy (type); FILAMINOPATHY, AUTOSOMAL DOMINANT. Identifiers: Orphanet 171445, MedGen C1836050, MONDO:0012289, OMIM 609524.
Cardiovascular phenotype. Identifiers: MedGen CN230736.

Allele frequency attached by ClinVar (database versions not stated): gnomAD 0.00003 and 0.00005; TOPMed 0.00003; gnomAD exomes 0.00009 and 0.00012; ExAC 0.00014; 1000 Genomes Project 30x 0.00031; 1000 Genomes Project 0.00040.
gnomAD v4.1: 138 of 1,614,084 alleles (0.0085%); highest among the groups gnomAD compares: South Asian, 0.11%; 2 homozygotes.

Submissions (5):

Labcorp Genetics (formerly Invitae), Labcorp
Classification: Benign for Distal myopathy with posterior leg and anterior hand involvement; Myofibrillar myopathy 5; Hypertrophic cardiomyopathy 26. Last evaluated: 2025-11-27. Review status: criteria provided, single submitter. Criteria: Invitae Variant Classification Sherloc (09022015). Collection method: clinical testing. Allele origin: germline.

CeGaT Center for Human Genetics Tuebingen
Classification: Likely benign. Last evaluated: 2025-03-01. Review status: criteria provided, single submitter. Criteria: CeGaT Center For Human Genetics Tuebingen Variant Classification Criteria Version 2. Collection method: clinical testing. Allele origin: germline. Affected: yes. Observed: 2 variant alleles.
Comment: FLNC: BP4, BS1

Blueprint Genetics
Classification: Likely benign. Last evaluated: 2023-02-06. Review status: criteria provided, single submitter. Criteria: ACMG Guidelines, 2015. Collection method: clinical testing. Allele origin: germline.

Ambry Genetics
Classification: Likely benign for Cardiovascular phenotype. Last evaluated: 2019-06-17. Review status: criteria provided, single submitter. Criteria: Ambry Variant Classification Scheme 2023. Collection method: clinical testing. Allele origin: germline.

PreventionGenetics, part of Exact Sciences
Classification: Likely benign for FLNC-related condition. Last evaluated: 2020-10-31. Review status: no assertion criteria provided. Collection method: clinical testing. Allele origin: germline. Not counted in ClinVar's aggregate classification.
Comment: This variant is classified as likely benign based on ACMG/AMP sequence variant interpretation guidelines (Richards et al. 2015 PMID: 25741868, with internal and published modifications).